The following is an entry in ClinVar:

ClinVar aggregate classification (germline): Uncertain significance (1 of 4 stars; one submission).

Conditions:
Familial intrahepatic cholestasis. Identifiers: Orphanet 284385, MedGen CN296401, MONDO:0017290.

Submission:

Genomenon, Inc
Classification: Uncertain significance for Familial intrahepatic cholestasis. Last evaluated: 2026-04-14. Review status: criteria provided, single submitter. Criteria: Genomenon Sequence Variant Interpretation Standards - Updated. Collection method: curation. Allele origin: germline. Affected: yes.
Comment: ABCB4 c.2924+5del is a deletion variant that affects the donor splice region of intron 23. This variant has been observed in at least one proband with an ABCB4-related disorder (PMID:41165782). It is absent or not present at a significant frequency in gnomAD. In silico models predict that this variant is possibly or probably damaging. In conclusion, we classify ABCB4 c.2924+5del as a variant of uncertain significance.

Literature cited by the submitters: PubMed 41165782.

NM_000443.4(ABCB4):c.2924+5del

Gene: ABCB4 (ATP binding cassette subfamily B member 4; minus strand). Cytogenetic location: 7q21.12.
Variant type: Deletion.
Coding change: c.2924+5del on transcript NM_000443.4 (MANE Select); 5 bases into the intron after coding-DNA position 2924, one base deleted (G; older notation c.2924+5delG).
Molecular consequence: intron variant.
Genome position (GRCh38, 1-based): chr7:87,411,888, C deleted on the plus strand (G on the coding strand, the reverse complement: ABCB4 is on the minus strand). VCF-style (leftmost placement, unchanged base first): chr7-87411887-AC-A. GRCh37 (hg19) VCF-style: chr7-87041203-AC-A.
Other names: c.2783+1729del (NM_018850.3); c.2924+5del (NM_018849.3).
Identifiers: ClinVar variation 4846358 (VCV004846358.1).
Genomic context (GRCh38, chr7:87,411,887, plus strand): 5'-AAACTTTTGCATAAACCTACTAAAACCTTATTATAGAATAATCTTAATATTTCTAAAGCT[AC>A]TTACAGAATAACATCTCTGAAGCGCATATGTCCATTCACAATGAGATATGCACCAAATCG-3'